The following is an entry in ClinVar:

NM_002485.5(NBN):c.38-20T>A

Gene: NBN (nibrin; minus strand). Cytogenetic location: 8q21.3.
Variant type: single nucleotide variant.
Coding change: c.38-20T>A on transcript NM_002485.5 (MANE Select); 20 bases into the intron before coding-DNA position 38, T replaced by A.
Molecular consequence: intron variant.
Genome position (GRCh38, 1-based): chr8:89,982,875, A>T on the plus strand (T>A on the coding strand, the complement: NBN is on the minus strand). VCF-style: chr8-89982875-A-T. GRCh37 (hg19) VCF-style: chr8-90995103-A-T.
Other names: c.-259-20T>A (NM_001024688.3).
Identifiers: ClinVar variation 383426 (VCV000383426.11), dbSNP rs774709748, ClinGen allele CA4803076.

ClinVar aggregate classification (germline): Likely benign. Review status: criteria provided, multiple submitters, no conflicts (2 of 4 stars). 2 submissions from 2 submitters: Likely benign (2). Last evaluated 2026-01-31.

Conditions:
Microcephaly, normal intelligence and immunodeficiency (NBS). Also called: IMMUNODEFICIENCY, MICROCEPHALY, AND CHROMOSOMAL INSTABILITY; BERLIN BREAKAGE SYNDROME; Ataxia telangiectasia variant V1; Nijmegen breakage syndrome; Immunodeficiency, microcephaly with normal intelligence; SEEMANOVA SYNDROME II. Identifiers: Orphanet 647, MedGen C0398791, MONDO:0009623, OMIM 251260.

Allele frequency attached by ClinVar (database versions not stated): gnomAD 0.00002 and 0.00003; gnomAD exomes 0.00002 and 0.00004; ExAC 0.00003; TOPMed 0.00003.
gnomAD v4.1: 30 of 1,607,538 alleles (0.0019%); highest among the groups gnomAD compares: Middle Eastern, 0.017%; no homozygotes.

Submissions (3):

Labcorp Genetics (formerly Invitae), Labcorp
Classification: Likely benign for Microcephaly, normal intelligence and immunodeficiency. Last evaluated: 2026-01-31. Review status: criteria provided, single submitter. Criteria: Invitae Variant Classification Sherloc (09022015). Collection method: clinical testing. Allele origin: germline.

GeneDx
Classification: Likely benign. Last evaluated: 2017-01-30. Review status: criteria provided, single submitter. Criteria: GeneDx Variant Classification (06012015). Collection method: clinical testing. Allele origin: germline. Affected: yes.
Comment: This variant is considered likely benign or benign based on one or more of the following criteria: it is a conservative change, it occurs at a poorly conserved position in the protein, it is predicted to be benign by multiple in silico algorithms, and/or has population frequency not consistent with disease.

Dr. Peter K. Rogan Lab, Western University
No classification provided (evidence only). Condition: Gastric cancer. Review status: no classification provided. Collection method: in vitro. Allele origin: not applicable. Functional consequence: retained intron. Not counted in ClinVar's aggregate classification.